The following is an entry in ClinVar:

NM_004551.3(NDUFS3):c.754C>T (p.Leu252Phe)

Gene: NDUFS3 (NADH:ubiquinone oxidoreductase core subunit S3; plus strand). Cytogenetic location: 11p11.2.
Variant type: single nucleotide variant.
Coding change: c.754C>T on transcript NM_004551.3 (MANE Select); coding-DNA position 754, C replaced by T.
Protein change: p.Leu252Phe; replaces leucine 252 with phenylalanine.
Molecular consequence: missense variant.
Genome position (GRCh38, 1-based): chr11:47,584,440, C>T. VCF-style: chr11-47584440-C-T. GRCh37 (hg19) VCF-style: chr11-47605992-C-T.
Other names: short protein forms L252F.
Identifiers: ClinVar variation 1476093 (VCV001476093.5), dbSNP rs777250139, ClinGen allele CA5978094.

ClinVar aggregate classification (germline): Uncertain significance (1 of 4 stars; one submission).

Allele frequency attached by ClinVar (database versions not stated): gnomAD exomes below 0.00001 and 0.00002; ExAC 0.00001; gnomAD 0.00001.
gnomAD v4.1: 24 of 1,614,042 alleles (0.0015%); highest among the groups gnomAD compares: Non-Finnish European, 0.0019%; no homozygotes.

Submission:

Labcorp Genetics (formerly Invitae), Labcorp
Classification: Uncertain significance. Last evaluated: 2022-10-24. Review status: criteria provided, single submitter. Criteria: Invitae Variant Classification Sherloc (09022015). Collection method: clinical testing. Allele origin: germline.
Comment: This sequence change replaces leucine, which is neutral and non-polar, with phenylalanine, which is neutral and non-polar, at codon 252 of the NDUFS3 protein (p.Leu252Phe). This variant is present in population databases (rs777250139, gnomAD 0.002%). This variant has not been reported in the literature in individuals affected with NDUFS3-related conditions. ClinVar contains an entry for this variant (Variation ID: 1476093). Algorithms developed to predict the effect of missense changes on protein structure and function (SIFT, PolyPhen-2, Align-GVGD) all suggest that this variant is likely to be tolerated. In summary, the available evidence is currently insufficient to determine the role of this variant in disease. Therefore, it has been classified as a Variant of Uncertain Significance.